The following is an entry in ClinVar:

NM_015295.3(SMCHD1):c.5162A>G (p.Asp1721Gly)

Gene: SMCHD1 (structural maintenance of chromosomes flexible hinge domain containing 1; plus strand). Cytogenetic location: 18p11.32.
Variant type: single nucleotide variant.
Coding change: c.5162A>G on transcript NM_015295.3 (MANE Select); coding-DNA position 5162, A replaced by G.
Protein change: p.Asp1721Gly; replaces aspartic acid 1721 with glycine.
Molecular consequence: missense variant.
Genome position (GRCh38, 1-based): chr18:2,772,359, A>G. VCF-style: chr18-2772359-A-G. GRCh37 (hg19) VCF-style: chr18-2772357-A-G.
Other names: short protein forms D1721G.
Identifiers: ClinVar variation 1953174 (VCV001953174.5), dbSNP rs762347022, ClinGen allele CA8871672.

ClinVar aggregate classification (germline): Uncertain significance (1 of 4 stars; one submission).

Conditions:
Facioscapulohumeral muscular dystrophy 2 (FSHD2). Also called: MUSCULAR DYSTROPHY, FACIOSCAPULOHUMERAL, TYPE 1B; FACIOSCAPULOHUMERAL MUSCULAR DYSTROPHY 2, DIGENIC; FSHD2, DIGENIC. Identifiers: Orphanet 269, MedGen C1834671, MONDO:0008031, OMIM 158901.

Allele frequency attached by ClinVar (database versions not stated): gnomAD exomes below 0.00001; ExAC 0.00001.
gnomAD v4.1: 1 of 1,565,246 alleles (0.000064%); highest among the groups gnomAD compares: Admixed American, 0.002%; no homozygotes.

Submission:

Labcorp Genetics (formerly Invitae), Labcorp
Classification: Uncertain significance for Facioscapulohumeral muscular dystrophy 2. Last evaluated: 2022-02-23. Review status: criteria provided, single submitter. Criteria: Invitae Variant Classification Sherloc (09022015). Collection method: clinical testing. Allele origin: germline.
Comment: This sequence change replaces aspartic acid, which is acidic and polar, with glycine, which is neutral and non-polar, at codon 1721 of the SMCHD1 protein (p.Asp1721Gly). This variant is present in population databases (rs762347022, gnomAD 0.004%). This variant has not been reported in the literature in individuals affected with SMCHD1-related conditions. Algorithms developed to predict the effect of missense changes on protein structure and function (SIFT, PolyPhen-2, Align-GVGD) all suggest that this variant is likely to be disruptive. In summary, the available evidence is currently insufficient to determine the role of this variant in disease. Therefore, it has been classified as a Variant of Uncertain Significance.